The following is an entry in ClinVar:

NM_017780.4(CHD7):c.7866A>C (p.Lys2622Asn)

Gene: CHD7 (chromodomain helicase DNA binding protein 7; plus strand). Cytogenetic location: 8q12.2.
Variant type: single nucleotide variant.
Coding change: c.7866A>C on transcript NM_017780.4 (MANE Select); coding-DNA position 7866, A replaced by C.
Protein change: p.Lys2622Asn; replaces lysine 2622 with asparagine.
Molecular consequence: missense variant.
Genome position (GRCh38, 1-based): chr8:60,862,231, A>C. VCF-style: chr8-60862231-A-C. GRCh37 (hg19) VCF-style: chr8-61774790-A-C.
Other names: c.1719A>C, p.Lys573Asn (NM_001316690.1); short protein forms K2622N, K573N.
Identifiers: ClinVar variation 640680 (VCV000640680.8), dbSNP rs1586462281, ClinGen allele CA371305233.

ClinVar aggregate classification (germline): Uncertain significance (1 of 4 stars; one submission).

Conditions:
CHARGE syndrome (CHARGE). Also called: Coloboma, heart anomaly, choanal atresia, retardation, genital and ear anomalies; CHARGE association; Hall-Hittner syndrome; Hittner Hirsch Kreh syndrome; CHARGE ASSOCIATION--COLOBOMA, HEART ANOMALY, CHOANAL ATRESIA, RETARDATION, GENITAL AND EAR ANOMALIES. Identifiers: Orphanet 138, MedGen C0265354, MONDO:0008965.

Submission:

Labcorp Genetics (formerly Invitae), Labcorp
Classification: Uncertain significance for CHARGE syndrome. Last evaluated: 2023-12-10. Review status: criteria provided, single submitter. Criteria: Invitae Variant Classification Sherloc (09022015). Collection method: clinical testing. Allele origin: germline.
Comment: This sequence change replaces lysine, which is basic and polar, with asparagine, which is neutral and polar, at codon 2622 of the CHD7 protein (p.Lys2622Asn). This variant is not present in population databases (gnomAD no frequency). This variant has not been reported in the literature in individuals affected with CHD7-related conditions. ClinVar contains an entry for this variant (Variation ID: 640680). Advanced modeling of protein sequence and biophysical properties (such as structural, functional, and spatial information, amino acid conservation, physicochemical variation, residue mobility, and thermodynamic stability) has been performed at Invitae for this missense variant, however the output from this modeling did not meet the statistical confidence thresholds required to predict the impact of this variant on CHD7 protein function. In summary, the available evidence is currently insufficient to determine the role of this variant in disease. Therefore, it has been classified as a Variant of Uncertain Significance.